The following is an entry in ClinVar:

NM_000548.5(TSC2):c.4206G>C (p.Gly1402=)

Gene: TSC2 (TSC complex subunit 2; plus strand). Cytogenetic location: 16p13.3.
Variant type: single nucleotide variant.
Coding change: c.4206G>C on transcript NM_000548.5 (MANE Select); coding-DNA position 4206, G replaced by C.
Protein change: p.Gly1402=; no amino-acid change (glycine 1402 retained).
Molecular consequence: synonymous variant. On other transcripts: non-coding transcript variant (5).
Genome position (GRCh38, 1-based): chr16:2,084,428, G>C. VCF-style: chr16-2084428-G-C. GRCh37 (hg19) VCF-style: chr16-2134429-G-C.
Other names: c.4074G>C, p.Gly1358= (NM_001370404.1); c.4077G>C, p.Gly1359= (NM_001370405.1, NM_021055.3); c.4203G>C, p.Gly1401= (NM_001406663.1); c.4134G>C, p.Gly1378= (NM_001406664.1); c.4128G>C, p.Gly1376= (NM_001406665.1); c.4098G>C, p.Gly1366= (NM_001406667.1); c.4095G>C, p.Gly1365= (NM_001406668.1); c.4026G>C, p.Gly1342= (NM_001406670.1); and 26 more.
Identifiers: ClinVar variation 4071355 (VCV004071355.1).
Genomic context (GRCh38, chr16:2,084,428, plus strand): 5'-GAGCAAGTCCAGCTCCTCTCCCGAGCTGCAGACTCTGCAGGACATCCTCGGGGACCCTGG[G>C]GACAAGGCCGACGTGGGCCGGCTGAGCCCTGAGGTTAAGGCCCGGTCACAGTCAGGGACC-3'
Protein context (NP_000539.2, residues 1392-1412): QTLQDILGDP[Gly1402=]DKADVGRLSP

ClinVar aggregate classification (germline): Benign (1 of 4 stars; one submission).

Conditions:
Tuberous sclerosis 2 (TSC2). Identifiers: Orphanet 805, MedGen C1860707, MONDO:0013199, OMIM 613254.

Submission:

Myriad Genetics, Inc.
Classification: Benign for Tuberous sclerosis 2. Last evaluated: 2025-06-03. Review status: criteria provided, single submitter. Criteria: Myriad Autosomal Dominant, Autosomal Recessive and X-Linked Classification Criteria (2023). Collection method: clinical testing. Allele origin: unknown.
Comment: This variant is considered benign. This variant is a silent/synonymous amino acid change and it is not expected to impact splicing.